The following is an entry in ClinVar:

ClinVar aggregate classification (germline): Uncertain significance (1 of 4 stars; one submission).

Conditions:
Holoprosencephaly 11 (HPE11). Identifiers: Orphanet 2162, MedGen C3280215, MONDO:0013642, OMIM 614226.

Allele frequency attached by ClinVar (database versions not stated): TOPMed below 0.00001.
gnomAD v4.1: 9 of 1,612,502 alleles (0.00056%); highest among the groups gnomAD compares: Non-Finnish European, 0.00068%; no homozygotes.

Submission:

Labcorp Genetics (formerly Invitae), Labcorp
Classification: Uncertain significance for Holoprosencephaly 11. Last evaluated: 2022-07-19. Review status: criteria provided, single submitter. Criteria: Invitae Variant Classification Sherloc (09022015). Collection method: clinical testing. Allele origin: germline.
Comment: This variant has not been reported in the literature in individuals affected with CDON-related conditions. In summary, the available evidence is currently insufficient to determine the role of this variant in disease. Therefore, it has been classified as a Variant of Uncertain Significance. Algorithms developed to predict the effect of missense changes on protein structure and function are either unavailable or do not agree on the potential impact of this missense change (SIFT: "Deleterious"; PolyPhen-2: "Benign"; Align-GVGD: "Class C0"). ClinVar contains an entry for this variant (Variation ID: 1468717). The frequency data for this variant in the population databases is considered unreliable, as metrics indicate poor data quality at this position in the gnomAD database. This sequence change replaces threonine, which is neutral and polar, with lysine, which is basic and polar, at codon 17 of the CDON protein (p.Thr17Lys).

NM_001378964.1(CDON):c.50C>A (p.Thr17Lys)

Gene: CDON (cell adhesion associated, oncogene regulated; minus strand). Cytogenetic location: 11q24.2.
Variant type: single nucleotide variant.
Coding change: c.50C>A on transcript NM_001378964.1 (MANE Select); coding-DNA position 50, C replaced by A.
Protein change: p.Thr17Lys; replaces threonine 17 with lysine.
Molecular consequence: missense variant.
Genome position (GRCh38, 1-based): chr11:126,023,427, G>T on the plus strand (C>A on the coding strand, the complement: CDON is on the minus strand). VCF-style: chr11-126023427-G-T. GRCh37 (hg19) VCF-style: chr11-125893322-G-T.
Other names: c.50C>A, p.Thr17Lys (NM_001243597.3, NM_016952.6); short protein forms T17K.
Identifiers: ClinVar variation 1468717 (VCV001468717.6), dbSNP rs767275943, ClinGen allele CA6352440.